The following is an entry in ClinVar:

NM_000020.3(ACVRL1):c.1232G>C (p.Arg411Pro)

Gene: ACVRL1 (activin A receptor like type 1; plus strand). Cytogenetic location: 12q13.13.
Variant type: single nucleotide variant.
Coding change: c.1232G>C on transcript NM_000020.3 (MANE Select); coding-DNA position 1232, G replaced by C.
Protein change: p.Arg411Pro; replaces arginine 411 with proline.
Molecular consequence: missense variant.
Genome position (GRCh38, 1-based): chr12:51,916,219, G>C. VCF-style: chr12-51916219-G-C. GRCh37 (hg19) VCF-style: chr12-52310003-G-C.
Other names: c.1232G>C, p.Arg411Pro (NM_001077401.2); short protein forms R411P.
Identifiers: ClinVar variation 8257 (VCV000008257.9), dbSNP rs121909284, ClinGen allele CA119413.

ClinVar aggregate classification (germline): Pathogenic. Review status: criteria provided, single submitter (1 of 4 stars). 2 submissions from 2 submitters: Pathogenic (1). 1 of the submissions does not count toward it. Last evaluated 2023-02-03.

Conditions:
Telangiectasia, hereditary hemorrhagic, type 2 (HHT2). Also called: ACVRL1-Related Hereditary Hemorrhagic Telangiectasia; Telangiectasia, hereditary hemorrhagic, type II. Identifiers: Orphanet 774, MedGen C1838163, MONDO:0010880, OMIM 600376. Disease mechanism: loss of function.

Submissions (2):

Labcorp Genetics (formerly Invitae), Labcorp
Classification: Pathogenic for Telangiectasia, hereditary hemorrhagic, type 2. Last evaluated: 2023-02-03. Review status: criteria provided, single submitter. Criteria: Invitae Variant Classification Sherloc (09022015). Collection method: clinical testing. Allele origin: germline.
Comment: This variant disrupts the p.Arg411 amino acid residue in ACVRL1. Other variant(s) that disrupt this residue have been determined to be pathogenic (PMID: 8640225, 14684682, 15024723, 20414677, 23805858). This suggests that this residue is clinically significant, and that variants that disrupt this residue are likely to be disease-causing. Experimental studies have shown that this missense change affects ACVRL1 function (PMID: 20501893). Advanced modeling of protein sequence and biophysical properties (such as structural, functional, and spatial information, amino acid conservation, physicochemical variation, residue mobility, and thermodynamic stability) performed at Invitae indicates that this missense variant is expected to disrupt ACVRL1 protein function. ClinVar contains an entry for this variant (Variation ID: 8257). This missense change has been observed in individuals with hereditary hemorrhagic telangiectasia (PMID: 15024723, 16123970, 17384219; Invitae). This variant is not present in population databases (gnomAD no frequency). This sequence change replaces arginine, which is basic and polar, with proline, which is neutral and non-polar, at codon 411 of the ACVRL1 protein (p.Arg411Pro). For these reasons, this variant has been classified as Pathogenic.

OMIM
Classification: Pathogenic for TELANGIECTASIA, HEREDITARY HEMORRHAGIC, TYPE 2. Last evaluated: 2004-04-01. Review status: no assertion criteria provided. Collection method: literature only. Allele origin: germline. Not counted in ClinVar's aggregate classification.

Literature cited by the submitters: PubMed 8640225 (cited by Labcorp Genetics (formerly Invitae), Labcorp); PubMed 14684682 (cited by Labcorp Genetics (formerly Invitae), Labcorp); PubMed 15024723 (cited by Labcorp Genetics (formerly Invitae), Labcorp and OMIM); PubMed 20414677 (cited by Labcorp Genetics (formerly Invitae), Labcorp); PubMed 23805858 (cited by Labcorp Genetics (formerly Invitae), Labcorp); PubMed 20501893 (cited by Labcorp Genetics (formerly Invitae), Labcorp); PubMed 16123970 (cited by Labcorp Genetics (formerly Invitae), Labcorp); PubMed 17384219 (cited by Labcorp Genetics (formerly Invitae), Labcorp).